The following is an entry in ClinVar:

NM_004970.3(IGFALS):c.1477C>T (p.Arg493Cys)

Gene: IGFALS (insulin like growth factor binding protein acid labile subunit; minus strand). Cytogenetic location: 16p13.3.
Variant type: single nucleotide variant.
Coding change: c.1477C>T on transcript NM_004970.3 (MANE Select); coding-DNA position 1477, C replaced by T.
Protein change: p.Arg493Cys; replaces arginine 493 with cysteine.
Molecular consequence: missense variant. On other transcripts: non-coding transcript variant (1).
Genome position (GRCh38, 1-based): chr16:1,790,941, G>A on the plus strand (C>T on the coding strand, the complement: IGFALS is on the minus strand). VCF-style: chr16-1790941-G-A. GRCh37 (hg19) VCF-style: chr16-1840942-G-A.
Other names: c.1591C>T, p.Arg531Cys (NM_001146006.2); short protein forms R493C, R531C.
Identifiers: ClinVar variation 1307809 (VCV001307809.3), dbSNP rs544452737, ClinGen allele CA7820292.

ClinVar aggregate classification (germline): Uncertain significance (1 of 4 stars; one submission).

Allele frequency attached by ClinVar (database versions not stated): gnomAD exomes 0.00001 and 0.00002; 1000 Genomes Project 0.00020; 1000 Genomes Project 30x 0.00031; ExAC 0.00003.

Submission:

GeneDx
Classification: Uncertain significance. Last evaluated: 2025-08-11. Review status: criteria provided, single submitter. Criteria: GeneDx Variant Classification Process June 2021. Collection method: clinical testing. Allele origin: germline. Affected: yes.
Comment: In silico analysis supports that this missense variant has a deleterious effect on protein structure/function; Has not been previously published as pathogenic or benign to our knowledge